The following is an entry in ClinVar:

ClinVar aggregate classification (germline): Uncertain significance (1 of 4 stars; one submission).

Submission:

Labcorp Genetics (formerly Invitae), Labcorp
Classification: Uncertain significance. Last evaluated: 2025-01-20. Review status: criteria provided, single submitter. Criteria: Invitae Variant Classification Sherloc (09022015). Collection method: clinical testing. Allele origin: germline.
Comment: This sequence change replaces lysine, which is basic and polar, with asparagine, which is neutral and polar, at codon 1945 of the NBAS protein (p.Lys1945Asn). This variant is not present in population databases (gnomAD no frequency). This variant has not been reported in the literature in individuals affected with NBAS-related conditions. ClinVar contains an entry for this variant (Variation ID: 2846634). Invitae Evidence Modeling of protein sequence and biophysical properties (such as structural, functional, and spatial information, amino acid conservation, physicochemical variation, residue mobility, and thermodynamic stability) indicates that this missense variant is not expected to disrupt NBAS protein function with a negative predictive value of 95%. In summary, the available evidence is currently insufficient to determine the role of this variant in disease. Therefore, it has been classified as a Variant of Uncertain Significance.

NM_015909.4(NBAS):c.5835G>C (p.Lys1945Asn)

Gene: NBAS (NBAS subunit of NRZ tethering complex; minus strand). Cytogenetic location: 2p24.3.
Variant type: single nucleotide variant.
Coding change: c.5835G>C on transcript NM_015909.4 (MANE Select); coding-DNA position 5835, G replaced by C.
Protein change: p.Lys1945Asn; replaces lysine 1945 with asparagine.
Molecular consequence: missense variant. On other transcripts: non-coding transcript variant (1).
Genome position (GRCh38, 1-based): chr2:15,238,576, C>G on the plus strand (G>C on the coding strand, the complement: NBAS is on the minus strand). VCF-style: chr2-15238576-C-G. GRCh37 (hg19) VCF-style: chr2-15378700-C-G.
Other names: short protein forms K1945N.
Identifiers: ClinVar variation 2846634 (VCV002846634.3), dbSNP rs2528288665, ClinGen allele CA345891657.